The following is an entry in ClinVar:

ClinVar aggregate classification (germline): Benign/Likely benign. Review status: criteria provided, multiple submitters, no conflicts (2 of 4 stars). 4 submissions from 4 submitters: Benign (3); Likely benign (1). Last evaluated 2026-02-03.

Allele frequency attached by ClinVar (database versions not stated): gnomAD exomes 0.00268 and 0.00728; ExAC 0.00911; gnomAD 0.02843 and 0.03067; TOPMed 0.03196; ESP Exome Variant Server 0.03291; 1000 Genomes Project 0.03355; 1000 Genomes Project 30x 0.03576.
gnomAD v4.1: 8,370 of 1,614,018 alleles (0.52%); highest among the groups gnomAD compares: African/African-American, 10%; 401 homozygotes.

Submissions (4):

Labcorp Genetics (formerly Invitae), Labcorp
Classification: Benign. Last evaluated: 2026-02-03. Review status: criteria provided, single submitter. Criteria: Invitae Variant Classification Sherloc (09022015). Collection method: clinical testing. Allele origin: germline.

Women's Health and Genetics/Laboratory Corporation of America, LabCorp
Classification: Likely benign. Last evaluated: 2026-01-21. Review status: criteria provided, single submitter. Criteria: LabCorp Variant Classification Summary - May 2015. Collection method: clinical testing. Allele origin: germline.

Mayo Clinic Laboratories, Mayo Clinic
Classification: Benign. Last evaluated: 2025-10-08. Review status: criteria provided, single submitter. Criteria: ACMG Guidelines, 2015. Collection method: clinical testing. Allele origin: germline. Observed: 1 variant allele.
Comment: BA1, BP4_moderate

Breakthrough Genomics
Classification: Benign. Review status: criteria provided, single submitter. Criteria: ACMG Guidelines, 2015. Collection method: not provided. Allele origin: germline. Inheritance: Autosomal recessive inheritance. Affected: yes.

NM_001735.3(C5):c.3929G>A (p.Ser1310Asn)

Gene: C5 (complement C5; minus strand). Cytogenetic location: 9q33.2.
Variant type: single nucleotide variant.
Coding change: c.3929G>A on transcript NM_001735.3 (MANE Select); coding-DNA position 3929, G replaced by A.
Protein change: p.Ser1310Asn; replaces serine 1310 with asparagine.
Molecular consequence: missense variant.
Genome position (GRCh38, 1-based): chr9:120,974,867, C>T on the plus strand (G>A on the coding strand, the complement: C5 is on the minus strand). VCF-style: chr9-120974867-C-T. GRCh37 (hg19) VCF-style: chr9-123737145-C-T.
Other names: p.Ser1310Asn; c.3947G>A, p.Ser1316Asn (NM_001317163.2); short protein forms S1310N, S1316N.
Identifiers: ClinVar variation 772914 (VCV000772914.12), dbSNP rs17610, ClinGen allele CA5217352.